The following is an entry in ClinVar:

ClinVar aggregate classification (germline): Uncertain significance. Review status: criteria provided, multiple submitters, no conflicts (2 of 4 stars). 2 submissions from 2 submitters: Uncertain significance (2). Last evaluated 2024-07-02.

Conditions:
Hereditary cancer-predisposing syndrome. Also called: Hereditary Cancer Syndrome; Tumor predisposition; Hereditary neoplastic syndrome; Neoplastic Syndromes, Hereditary. Identifiers: Orphanet 140162, MedGen C0027672, MeSH D009386, MONDO:0015356.
Hereditary breast ovarian cancer syndrome. Also called: Hereditary breast and ovarian cancer; Hereditary breast and ovarian cancer syndrome; BRCA1- and BRCA2-Associated Hereditary Breast and Ovarian Cancer; Hereditary breast and ovarian cancer syndrome (HBOC); Breast and ovarian cancer; Hereditary breast and/or ovarian cancer syndrome. Identifiers: Orphanet 145, MedGen C0677776, MeSH D061325, MONDO:0003582. Disease mechanism: loss of function.

gnomAD v4.1: 5 of 1,522,914 alleles (0.00033%); highest among the groups gnomAD compares: Non-Finnish European, 0.00045%; no homozygotes.

Submissions (2):

Labcorp Genetics (formerly Invitae), Labcorp
Classification: Uncertain significance for Hereditary breast ovarian cancer syndrome. Last evaluated: 2024-07-02. Review status: criteria provided, single submitter. Criteria: Invitae Variant Classification Sherloc (09022015). Collection method: clinical testing. Allele origin: germline.
Comment: This sequence change replaces proline, which is neutral and non-polar, with leucine, which is neutral and non-polar, at codon 2283 of the BRCA2 protein (p.Pro2283Leu). This variant is not present in population databases (gnomAD no frequency). This variant has not been reported in the literature in individuals affected with BRCA2-related conditions. ClinVar contains an entry for this variant (Variation ID: 646589). Advanced modeling of protein sequence and biophysical properties (such as structural, functional, and spatial information, amino acid conservation, physicochemical variation, residue mobility, and thermodynamic stability) performed at Invitae indicates that this missense variant is not expected to disrupt BRCA2 protein function with a negative predictive value of 95%. In summary, the available evidence is currently insufficient to determine the role of this variant in disease. Therefore, it has been classified as a Variant of Uncertain Significance.

Ambry Genetics
Classification: Uncertain significance for Hereditary cancer-predisposing syndrome. Last evaluated: 2021-06-10. Review status: criteria provided, single submitter. Criteria: Ambry Variant Classification Scheme 2023. Collection method: clinical testing. Allele origin: germline.
Comment: The p.P2283L variant (also known as c.6848C>T), located in coding exon 11 of the BRCA2 gene, results from a C to T substitution at nucleotide position 6848. The proline at codon 2283 is replaced by leucine, an amino acid with similar properties. This amino acid position is highly conserved in available vertebrate species. In addition, the in silico prediction for this alteration is inconclusive. Since supporting evidence is limited at this time, the clinical significance of this alteration remains unclear.

NM_000059.4(BRCA2):c.6848C>T (p.Pro2283Leu)

Gene: BRCA2 (BRCA2 DNA repair associated; plus strand). Cytogenetic location: 13q13.1.
Variant type: single nucleotide variant.
Coding change: c.6848C>T on transcript NM_000059.4 (MANE Select); coding-DNA position 6848, C replaced by T.
Protein change: p.Pro2283Leu; replaces proline 2283 with leucine.
Molecular consequence: missense variant.
Genome position (GRCh38, 1-based): chr13:32,344,564, C>T. VCF-style: chr13-32344564-C-T. GRCh37 (hg19) VCF-style: chr13-32918701-C-T.
Other names: short protein forms P2283L.
Identifiers: ClinVar variation 646589 (VCV000646589.10), dbSNP rs80358910, ClinGen allele CA387792626.